The following is an entry in ClinVar:

NM_001182.5(ALDH7A1):c.*1108G>A

Genes: ALDH7A1 (aldehyde dehydrogenase 7 family member A1; minus strand), LOC112997555 (Sharpr-MPRA regulatory region 10286; plus strand). Cytogenetic location: 5q23.2.
Variant type: single nucleotide variant.
Coding change: c.*1108G>A on transcript NM_001182.5 (MANE Select); 1108 bases downstream of the stop codon, G replaced by A.
Molecular consequence: 3 prime UTR variant.
Genome position (GRCh38, 1-based): chr5:126,543,857, C>T on the plus strand (G>A on the coding strand, the complement: ALDH7A1 is on the minus strand). VCF-style: chr5-126543857-C-T. GRCh37 (hg19) VCF-style: chr5-125879549-C-T.
Other names: c.*1108G>A (NM_001201377.2, NM_001202404.2).
Identifiers: ClinVar variation 350560 (VCV000350560.5), dbSNP rs1483780, ClinGen allele CA10618867.
Genomic context (GRCh38, chr5:126,543,857, plus strand): 5'-CAGTGAGAAAAGGTGAGACTGTCAGCAAAGAGAAAGTGAACTTTGCCCAGCTCTCTATGA[C>T]CACATGCTGCCACACACACTGAGGATTGAGAACAGATCCAAGGGCAACCGCAGACGCCTA-3'

ClinVar aggregate classification (germline): Benign (1 of 4 stars; one submission).

Conditions:
Pyridoxine-dependent epilepsy (EPEO4). Also called: Pyridoxine-Dependent Epilepsy - ALDH7A1; PYRIDOXINE DEPENDENCY WITH SEIZURES; EPILEPSY, EARLY-ONSET, 4, VITAMIN B6-DEPENDENT; Pyridoxine-Dependent Seizures. Identifiers: Orphanet 3006, MedGen C1849508, MONDO:0009945, OMIM 266100. Disease mechanism: loss of function.

Allele frequency attached by ClinVar (database versions not stated): gnomAD 0.51902 and 0.51475; gnomAD exomes 0.69565; TOPMed 0.49408; 1000 Genomes Project 30x 0.48204; 1000 Genomes Project 0.49161.
gnomAD v4.1: 78,807 of 151,914 alleles (52%); highest among the groups gnomAD compares: South Asian, 62%; 21,091 homozygotes.

Submission:

Illumina Laboratory Services, Illumina
Classification: Benign for Pyridoxine-dependent epilepsy. Last evaluated: 2018-01-13. Review status: criteria provided, single submitter. Criteria: ICSL Variant Classification Criteria 13 December 2019. Collection method: clinical testing. Allele origin: germline.
Comment: This variant was observed in the ICSL laboratory as part of a predisposition screen in an ostensibly healthy population. It had not been previously curated by ICSL or reported in the Human Gene Mutation Database (HGMD: prior to June 1st, 2018), and was therefore a candidate for classification through an automated scoring system. Utilizing variant allele frequency, disease prevalence and penetrance estimates, and inheritance mode, an automated score was calculated to assess if this variant is too frequent to cause the disease. Based on the score and internal cut-off values, a variant classified as benign is not then subjected to further curation. The score for this variant resulted in a classification of benign for this disease.